The following is an entry in ClinVar:

ClinVar aggregate classification (germline): Pathogenic. Review status: criteria provided, multiple submitters, no conflicts (2 of 4 stars). 3 submissions from 3 submitters: Pathogenic (3). Last evaluated 2026-08-13.

Conditions:
Neurofibromatosis, type 1 (NF1). Also called: VON RECKLINGHAUSEN DISEASE; NEUROFIBROMATOSIS, TYPE I, SOMATIC; Peripheral type neurofibromatosis; Neurofibromatosis, type I. Identifiers: Orphanet 636, MedGen C0027831, MONDO:0018975, OMIM 162200. Disease mechanism: loss of function.
Cardiovascular phenotype. Identifiers: MedGen CN230736.
Hereditary cancer-predisposing syndrome. Also called: Neoplastic Syndromes, Hereditary; Tumor predisposition; Hereditary neoplastic syndrome; Hereditary Cancer Syndrome. Identifiers: Orphanet 140162, MedGen C0027672, MeSH D009386, MONDO:0015356.

Submissions (3):

GeneDx
Classification: Pathogenic. Last evaluated: 2026-08-13. Review status: criteria provided, single submitter. Criteria: GeneDx Variant Classification Process June 2021. Collection method: clinical testing. Allele origin: germline.
Comment: Nonsense variant predicted to result in protein truncation or nonsense mediated decay in a gene for which loss of function is a known mechanism of disease; Not observed at significant frequency in large population cohorts (gnomAD); This variant is associated with the following publications: (PMID: 25525159, 29673180, 27838393, 7655472)

Labcorp Genetics (formerly Invitae), Labcorp
Classification: Pathogenic for Neurofibromatosis, type 1. Last evaluated: 2023-09-18. Review status: criteria provided, single submitter. Criteria: Invitae Variant Classification Sherloc (09022015). Collection method: clinical testing. Allele origin: germline.
Comment: For these reasons, this variant has been classified as Pathogenic. Algorithms developed to predict the effect of sequence changes on RNA splicing suggest that this variant may disrupt the consensus splice site. ClinVar contains an entry for this variant (Variation ID: 1759493). This premature translational stop signal has been observed in individual(s) with neurofibromatosis type 1 (PMID: 7655472). This variant is not present in population databases (gnomAD no frequency). This sequence change creates a premature translational stop signal (p.Gly2518*) in the NF1 gene. It is expected to result in an absent or disrupted protein product. Loss-of-function variants in NF1 are known to be pathogenic (PMID: 10712197, 23913538).

Ambry Genetics
Classification: Pathogenic for Cardiovascular phenotype; Hereditary cancer-predisposing syndrome. Last evaluated: 2022-09-30. Review status: criteria provided, single submitter. Criteria: Ambry Variant Classification Scheme 2023. Collection method: clinical testing. Allele origin: germline.
Comment: The p.G2518* pathogenic mutation (also known as c.7552G>T), located in coding exon 50 of the NF1 gene, results from a G to T substitution at nucleotide position 7552. This changes the amino acid from a glycine to a stop codon within coding exon 50. This change occurs in the last base pair of coding exon 50, which makes it possible to have some effect on normal mRNA splicing. This alteration was identified in an individual with a clinical diagnosis of neurofibromatosis type 1 (Heim RA et al. Hum Mol Genet, 1995 Jun;4:975-81). This nucleotide position is highly conserved in available vertebrate species. In silico splice site analysis predicts that this alteration may weaken the native splice donor site; however, direct evidence is insufficient at this time (Ambry internal data). This alteration is expected to result in loss of function by premature protein truncation or nonsense-mediated mRNA decay. As such, this alteration is interpreted as a disease-causing mutation.

Literature cited by the submitters: PubMed 7655472 (cited by Labcorp Genetics (formerly Invitae), Labcorp); PubMed 10712197 (cited by Labcorp Genetics (formerly Invitae), Labcorp); PubMed 23913538 (cited by Labcorp Genetics (formerly Invitae), Labcorp).

NM_001042492.3(NF1):c.7615G>T (p.Gly2539Ter)

Gene: NF1 (neurofibromin 1; plus strand). Cytogenetic location: 17q11.2.
Variant type: single nucleotide variant.
Coding change: c.7615G>T on transcript NM_001042492.3 (MANE Select); coding-DNA position 7615, G replaced by T.
Protein change: p.Gly2539Ter; replaces glycine 2539 with a stop codon.
Molecular consequence: nonsense.
Genome position (GRCh38, 1-based): chr17:31,352,414, G>T. VCF-style: chr17-31352414-G-T. GRCh37 (hg19) VCF-style: chr17-29679432-G-T.
Other names: c.7552G>T, p.Gly2518Ter (NM_000267.4); short protein forms G2539*, G2518*.
Identifiers: ClinVar variation 1759493 (VCV001759493.7), dbSNP rs2151577458, ClinGen allele CA399017900.